The following is an entry in ClinVar:

ClinVar aggregate classification (germline): Uncertain significance. Review status: criteria provided, multiple submitters, no conflicts (2 of 4 stars). 3 submissions from 3 submitters: Uncertain significance (3). Last evaluated 2025-11-19.

Conditions:
Inborn genetic diseases. Identifiers: MedGen C0950123, MeSH D030342.

Allele frequency attached by ClinVar (database versions not stated): gnomAD exomes below 0.00001 and 0.00001; ExAC 0.00002; gnomAD 0.00002; TOPMed 0.00002.
gnomAD v4.1: 9 of 1,611,786 alleles (0.00056%); highest among the groups gnomAD compares: African/African-American, 0.004%; no homozygotes.

Submissions (3):

Ambry Genetics
Classification: Uncertain significance for Inborn genetic diseases. Last evaluated: 2025-11-19. Review status: criteria provided, single submitter. Criteria: Ambry Variant Classification Scheme 2023. Collection method: clinical testing. Allele origin: germline.

Labcorp Genetics (formerly Invitae), Labcorp
Classification: Uncertain significance. Last evaluated: 2025-01-23. Review status: criteria provided, single submitter. Criteria: Invitae Variant Classification Sherloc (09022015). Collection method: clinical testing. Allele origin: germline.
Comment: This sequence change replaces serine, which is neutral and polar, with leucine, which is neutral and non-polar, at codon 243 of the LCA5 protein (p.Ser243Leu). The frequency data for this variant in the population databases is considered unreliable, as metrics indicate poor data quality at this position in the gnomAD database. This variant has not been reported in the literature in individuals affected with LCA5-related conditions. ClinVar contains an entry for this variant (Variation ID: 1432381). Invitae Evidence Modeling of protein sequence and biophysical properties (such as structural, functional, and spatial information, amino acid conservation, physicochemical variation, residue mobility, and thermodynamic stability) indicates that this missense variant is expected to disrupt LCA5 protein function with a positive predictive value of 80%. In summary, the available evidence is currently insufficient to determine the role of this variant in disease. Therefore, it has been classified as a Variant of Uncertain Significance.

Blueprint Genetics
Classification: Uncertain significance. Last evaluated: 2021-10-08. Review status: criteria provided, single submitter. Criteria: ACMG Guidelines, 2015. Collection method: clinical testing. Allele origin: germline.

NM_001122769.3(LCA5):c.728C>T (p.Ser243Leu)

Gene: LCA5 (lebercilin LCA5; minus strand). Cytogenetic location: 6q14.1.
Variant type: single nucleotide variant.
Coding change: c.728C>T on transcript NM_001122769.3 (MANE Select); coding-DNA position 728, C replaced by T.
Protein change: p.Ser243Leu; replaces serine 243 with leucine.
Molecular consequence: missense variant.
Genome position (GRCh38, 1-based): chr6:79,493,743, G>A on the plus strand (C>T on the coding strand, the complement: LCA5 is on the minus strand). VCF-style: chr6-79493743-G-A. GRCh37 (hg19) VCF-style: chr6-80203460-G-A.
Other names: c.728C>T (NM_181714.3); c.728C>T, p.Ser243Leu (NM_181714.4); short protein forms S243L.
Identifiers: ClinVar variation 1432381 (VCV001432381.10), dbSNP rs112706780, ClinGen allele CA3901038.